The following is an entry in ClinVar:

ClinVar aggregate classification (germline): Likely benign. Review status: criteria provided, multiple submitters, no conflicts (2 of 4 stars). 2 submissions from 2 submitters: Likely benign (2). Last evaluated 2026-09-01.

Conditions:
Walker-Warburg congenital muscular dystrophy. Also called: Muscular dystrophy-dystroglycanopathy, type A; Walker-Warburg syndrome. Identifiers: Orphanet 899, MedGen C0265221, MONDO:0000171.

Submissions (2):

CeGaT Center for Human Genetics Tuebingen
Classification: Likely benign. Last evaluated: 2026-09-01. Review status: criteria provided, single submitter. Criteria: CeGaT Center For Human Genetics Tuebingen Variant Classification Criteria Version 2. Collection method: clinical testing. Allele origin: germline. Affected: yes. Observed: 1 variant allele.
Comment: FKTN: PM2:Supporting, BP4, BP7

Labcorp Genetics (formerly Invitae), Labcorp
Classification: Likely benign for Walker-Warburg congenital muscular dystrophy. Last evaluated: 2020-09-08. Review status: criteria provided, single submitter. Criteria: Invitae Variant Classification Sherloc (09022015). Collection method: clinical testing. Allele origin: germline.

NM_001079802.2(FKTN):c.61C>T (p.Leu21=)

Gene: FKTN (fukutin; plus strand). Cytogenetic location: 9q31.2.
Variant type: single nucleotide variant.
Coding change: c.61C>T on transcript NM_001079802.2 (MANE Select); coding-DNA position 61, C replaced by T.
Protein change: p.Leu21=; no amino-acid change (leucine 21 retained).
Molecular consequence: synonymous variant. On other transcripts: 5 prime UTR variant (5), non-coding transcript variant (2).
Genome position (GRCh38, 1-based): chr9:105,575,093, C>T. VCF-style: chr9-105575093-C-T. GRCh37 (hg19) VCF-style: chr9-108337374-C-T.
Other names: c.61C>T, p.Leu21= (NM_001198963.2, NM_001351496.2, NM_001351498.2 and 1 more transcripts); c.-107C>T (NM_001351497.2); c.-454C>T (NM_001351499.2, NM_001351500.2, NM_001351501.2 and 1 more transcripts).
Identifiers: ClinVar variation 1155137 (VCV001155137.10), dbSNP rs2132017500, ClinGen allele CA466506489.